The following is an entry in ClinVar:

NM_001395159.1(UNC79):c.4588A>G (p.Met1530Val)

Gene: UNC79 (unc-79 subunit of NALCN channel complex; plus strand). Cytogenetic location: 14q32.12.
Variant type: single nucleotide variant.
Coding change: c.4588A>G on transcript NM_001395159.1 (MANE Select); coding-DNA position 4588, A replaced by G.
Protein change: p.Met1530Val; replaces methionine 1530 with valine.
Molecular consequence: missense variant. On other transcripts: intron variant (1).
Genome position (GRCh38, 1-based): chr14:93,621,026, A>G. VCF-style: chr14-93621026-A-G. GRCh37 (hg19) VCF-style: chr14-94087372-A-G.
Other names: c.4522A>G, p.Met1508Val (NM_001346218.2); c.3857-595A>G (NM_020818.5); short protein forms M1508V, M1530V.
Identifiers: ClinVar variation 4989434 (VCV004989434.1).

ClinVar aggregate classification (germline): Uncertain significance (1 of 4 stars; one submission).

Conditions:
UNC79-related disorder. Also called: UNC79-related condition.

gnomAD v4.1: 1 of 517,282 alleles (0.00019%); no homozygotes.

Submission:

PreventionGenetics, part of Exact Sciences
Classification: Uncertain significance for UNC79-related condition. Last evaluated: 2025-10-21. Review status: criteria provided, single submitter. Criteria: ACMG Guidelines, 2015. Collection method: clinical testing. Allele origin: germline.
Comment: The UNC79 c.4522A>G variant is predicted to result in the amino acid substitution p.Met1508Val. This variant can also be referred to as c.3857-595A>G (Intronic) with the alternative isoform, NM_020818, and is predicted to possibly alter splicing based on available splicing prediction programs (SpliceAI, Jaganathan et al. 2019. PubMed ID: 30661751). However, the use of computer prediction programs is not equivalent to functional evidence. To our knowledge, this variant has not been reported in the literature or in a large population database (gnomAD), indicating this variant is rare. At this time, the clinical significance of this variant is uncertain due to the absence of conclusive functional and genetic evidence.